The following is an entry in ClinVar:

ClinVar aggregate classification (germline): Benign. Review status: criteria provided, multiple submitters, no conflicts (2 of 4 stars). 3 submissions from 3 submitters: Benign (2). 1 of the submissions does not count toward it. Last evaluated 2019-12-31.

Conditions:
IDH1-related disorder. Also called: IDH1-related condition.

Allele frequency attached by ClinVar (database versions not stated): gnomAD exomes 0.00250; ExAC 0.00313; 1000 Genomes Project 30x 0.00953; 1000 Genomes Project 0.00938; gnomAD 0.00966 and 0.01029; ESP Exome Variant Server 0.00984; TOPMed 0.01051.
gnomAD v4.1: 3,276 of 1,613,440 alleles (0.2%); highest among the groups gnomAD compares: African/African-American, 3.5%; 54 homozygotes.

Submissions (3):

Labcorp Genetics (formerly Invitae), Labcorp
Classification: Benign. Last evaluated: 2019-12-31. Review status: criteria provided, single submitter. Criteria: Invitae Variant Classification Sherloc (09022015). Collection method: clinical testing. Allele origin: germline.

Breakthrough Genomics
Classification: Benign. Review status: criteria provided, single submitter. Criteria: ACMG Guidelines, 2015. Collection method: not provided. Allele origin: germline. Inheritance: Autosomal dominant inheritance. Affected: yes.

PreventionGenetics, part of Exact Sciences
Classification: Benign for IDH1-related condition. Last evaluated: 2019-03-15. Review status: no assertion criteria provided. Collection method: clinical testing. Allele origin: germline. Not counted in ClinVar's aggregate classification.
Comment: This variant is classified as benign based on ACMG/AMP sequence variant interpretation guidelines (Richards et al. 2015 PMID: 25741868, with internal and published modifications).

NM_005896.4(IDH1):c.699-6T>C

Gene: IDH1 (isocitrate dehydrogenase (NADP(+)) 1; minus strand). Cytogenetic location: 2q34.
Variant type: single nucleotide variant.
Coding change: c.699-6T>C on transcript NM_005896.4 (MANE Select); 6 bases into the intron before coding-DNA position 699, T replaced by C.
Molecular consequence: intron variant.
Genome position (GRCh38, 1-based): chr2:208,242,151, A>G on the plus strand (T>C on the coding strand, the complement: IDH1 is on the minus strand). VCF-style: chr2-208242151-A-G. GRCh37 (hg19) VCF-style: chr2-209106875-A-G.
Other names: c.699-6T>C (NM_001282386.1, NM_001282387.1).
Identifiers: ClinVar variation 781826 (VCV000781826.7), dbSNP rs114459199, ClinGen allele CA2078928.
Genomic context (GRCh38, chr2:208,242,151, plus strand): 5'-GATGAGCCTATGCTCATACCAGATCTTTTGAGCTTCAAACTGGGACTTGTACTGCCTGGG[A>G]AACAAAAGGTAAAAGAGAATAATAATAAAGAAAATTGATTTTGTTAGGGATATCATCTGC-3'